The following is an entry in ClinVar:

NM_000384.3(APOB):c.6575A>G (p.His2192Arg)

Gene: APOB (apolipoprotein B; minus strand). Cytogenetic location: 2p24.1.
Variant type: single nucleotide variant.
Coding change: c.6575A>G on transcript NM_000384.3 (MANE Select); coding-DNA position 6575, A replaced by G.
Protein change: p.His2192Arg; replaces histidine 2192 with arginine.
Molecular consequence: missense variant.
Genome position (GRCh38, 1-based): chr2:21,010,293, T>C on the plus strand (A>G on the coding strand, the complement: APOB is on the minus strand). VCF-style: chr2-21010293-T-C. GRCh37 (hg19) VCF-style: chr2-21233165-T-C.
Other names: short protein forms H2192R.
Identifiers: ClinVar variation 1754259 (VCV001754259.2), dbSNP rs1663270641, ClinGen allele CA346001447.

ClinVar aggregate classification (germline): Uncertain significance (1 of 4 stars; one submission).

Conditions:
Cardiovascular phenotype. Identifiers: MedGen CN230736.

Allele frequency attached by ClinVar (database versions not stated): gnomAD exomes below 0.00001; TOPMed below 0.00001.
gnomAD v4.1: 1 of 1,549,814 alleles (0.000065%); highest among the groups gnomAD compares: African/African-American, 0.0014%; no homozygotes.

Submission:

Ambry Genetics
Classification: Uncertain significance for Cardiovascular phenotype. Last evaluated: 2022-06-19. Review status: criteria provided, single submitter. Criteria: Ambry Variant Classification Scheme 2023. Collection method: clinical testing. Allele origin: germline.
Comment: The p.H2192R variant (also known as c.6575A>G), located in coding exon 26 of the APOB gene, results from an A to G substitution at nucleotide position 6575. The histidine at codon 2192 is replaced by arginine, an amino acid with highly similar properties. This amino acid position is conserved. In addition, this alteration is predicted to be tolerated by in silico analysis. Since supporting evidence is limited at this time, the clinical significance of this alteration remains unclear.